The following is an entry in ClinVar:

NM_025114.4(CEP290):c.2194C>T (p.Gln732Ter)

Gene: CEP290 (centrosomal protein 290; minus strand). Cytogenetic location: 12q21.32.
Variant type: single nucleotide variant.
Coding change: c.2194C>T on transcript NM_025114.4 (MANE Select); coding-DNA position 2194, C replaced by T.
Protein change: p.Gln732Ter; replaces glutamine 732 with a stop codon.
Molecular consequence: nonsense.
Genome position (GRCh38, 1-based): chr12:88,111,717, G>A on the plus strand (C>T on the coding strand, the complement: CEP290 is on the minus strand). VCF-style: chr12-88111717-G-A. GRCh37 (hg19) VCF-style: chr12-88505494-G-A.
Other names: short protein forms Q732*.
Identifiers: ClinVar variation 2942390 (VCV002942390.4), dbSNP rs1438792443, ClinGen allele CA385974857.
Genomic context (GRCh38, chr12:88,111,717, plus strand): 5'-ATGTTTAGCATTTTCTTTTATTTAATAAAATTCTCACCTTTAAATTAGCTTTTGCCAACT[G>A]CTGTGAATAATTTATAGCCTCTTTCCGAGATTCCCTGAGCTCCTGTCTTAATTCTTCATT-3'

ClinVar aggregate classification (germline): Pathogenic/Likely pathogenic. Review status: criteria provided, multiple submitters, no conflicts (2 of 4 stars). 2 submissions from 2 submitters: Pathogenic (1); Likely pathogenic (1). Last evaluated 2024-05-29.

Conditions:
Joubert syndrome. Also called: CEREBELLOPARENCHYMAL DISORDER IV; JOUBERT-BOLTSHAUSER SYNDROME; Familial aplasia of the vermis. Identifiers: Orphanet 475, MedGen C5979921, MONDO:0018772.
Nephronophthisis. Also called: Juvenile Nephronophthisis. Identifiers: Orphanet 655, MedGen C0687120, MONDO:0019005, HP:0000090.
Meckel-Gruber syndrome. Also called: DYSENCEPHALIA SPLANCHNOCYSTICA; GRUBER SYNDROME; Dysencephalia splachnocystica. Identifiers: Orphanet 564, MedGen C0265215, MONDO:0018921.
Joubert syndrome 5 (JBTS5). Identifiers: Orphanet 2318, MedGen C1857780, MONDO:0012432, OMIM 610188.
Senior-Loken syndrome 6 (SLSN6). Identifiers: Orphanet 3156, MedGen C1857779, MONDO:0012433, OMIM 610189.
Bardet-Biedl syndrome 14 (BBS14). Identifiers: Orphanet 110, MedGen C2673874, MONDO:0014442, OMIM 615991.
Leber congenital amaurosis 10 (LCA10). Identifiers: Orphanet 65, MedGen C1857821, MONDO:0012723, OMIM 611755.
Meckel syndrome, type 4 (MKS4). Also called: MECKEL-GRUBER SYNDROME, TYPE 4. Identifiers: Orphanet 564, MedGen C1970161, MONDO:0012626, OMIM 611134.

gnomAD v4.1: 1 of 1,593,870 alleles (0.000063%); highest among the groups gnomAD compares: Admixed American, 0.0018%; no homozygotes.

Submissions (2):

Fulgent Genetics
Classification: Likely pathogenic for Joubert syndrome 5; Senior-Loken syndrome 6; Meckel syndrome, type 4; Leber congenital amaurosis 10; Bardet-Biedl syndrome 14. Last evaluated: 2024-05-29. Review status: criteria provided, single submitter. Criteria: ACMG Guidelines, 2015. Collection method: clinical testing. Allele origin: germline.

Labcorp Genetics (formerly Invitae), Labcorp
Classification: Pathogenic for Joubert syndrome; Meckel-Gruber syndrome; Nephronophthisis. Last evaluated: 2022-12-16. Review status: criteria provided, single submitter. Criteria: Invitae Variant Classification Sherloc (09022015). Collection method: clinical testing. Allele origin: germline.
Comment: This sequence change creates a premature translational stop signal (p.Gln732*) in the CEP290 gene. It is expected to result in an absent or disrupted protein product. Loss-of-function variants in CEP290 are known to be pathogenic (PMID: 16909394, 17345604, 20690115). This variant is not present in population databases (gnomAD no frequency). This variant has not been reported in the literature in individuals affected with CEP290-related conditions. For these reasons, this variant has been classified as Pathogenic.

Literature cited by the submitters: PubMed 16909394 (cited by Labcorp Genetics (formerly Invitae), Labcorp); PubMed 17345604 (cited by Labcorp Genetics (formerly Invitae), Labcorp); PubMed 20690115 (cited by Labcorp Genetics (formerly Invitae), Labcorp).